The following is an entry in ClinVar:

ClinVar aggregate classification (germline): Pathogenic. Review status: reviewed by expert panel (3 of 4 stars). 2 submissions from 2 submitters: Pathogenic (1). 1 of the submissions does not count toward it. Last evaluated 2026-02-04.

Conditions:
Open-angle glaucoma. Identifiers: MedGen C0017612, MONDO:0005338, HP:0012108.
Glaucoma 1, open angle, A (GLC1A). Also called: Glaucoma, Dominant (Juvenile Onset). Identifiers: Orphanet 98977, MedGen C1842028, MONDO:0007664, OMIM 137750.

Submissions (2):

ClinGen Glaucoma Variant Curation Expert Panel
Classification: Pathogenic for Open-angle glaucoma. Last evaluated: 2026-02-04. Review status: reviewed by expert panel. Criteria: ClinGen Glaucoma ACMG Specifications V2.0.0 Approved. Collection method: curation. Allele origin: germline. Inheritance: Autosomal dominant inheritance.
Comment: The c.1309T>C variant in MYOC is a missense variant predicted to cause substitution of Tyrosine by Histidine at amino acid 437 (p.Tyr437His). This variant was not found in any genetic ancestry group of gnomAD (v4.1.0), meeting the ≤ 0.0001 threshold set for PM2_Supporting in a genetic ancestry group of at least 10,000 alleles. The REVEL score = 0.966, which met the ≥ 0.932 threshold for PP3_Strong, predicting a damaging effect on MYOC function. A transgenic mouse model carrying human MYOC Tyr437His (PMID: 18436825), and displaying reduced secretion of the Tyr437His protein in vivo, exhibited a glaucoma phenotype (IOP elevation and retinal ganglion cell loss), meeting PS3. This protein has also been assessed in these other studies (PMIDs: 5196929, 27092720, 16466712, 10545602, 15069026, 16297911, 11152659, 19234343, 17960117, 21612213, 23129764, 25524706), however, the same level of evidence was not met. 39 segregations in 3 families, with juvenile or primary open angle glaucoma (JOAG or POAG), have been reported (PMIDs: 9535666, 30612094), which fulfilled PP1_Strong (≥ 7 meioses in > 1 family). 6 probands with JOAG or POAG have been reported carrying this variant (PMIDs: 10196380, 9792882, 30612094), which met PS4_Moderate (≥ 6 probands). In summary, this variant met the criteria to receive a score of 15 and to be classified as pathogenic (pathogenic classification ≥ 10, adapted from PMID: 32720330) for juvenile open angle glaucoma based on the ACMG/AMP criteria met, as specified by the ClinGen Glaucoma VCEP (v2.0.0, 5 Dec 2024): PS3, PP1_Strong, PP3_Strong, PS4_Moderate, PM2_Supporting

OMIM
Classification: Pathogenic for GLAUCOMA 1, OPEN ANGLE, A. Last evaluated: 1998-04-09. Review status: no assertion criteria provided. Collection method: literature only. Allele origin: germline. Not counted in ClinVar's aggregate classification.

Literature cited by the submitters: PubMed 19234343 (cited by ClinGen Glaucoma Variant Curation Expert Panel); PubMed 15069026 (cited by ClinGen Glaucoma Variant Curation Expert Panel); PubMed 21612213 (cited by ClinGen Glaucoma Variant Curation Expert Panel); PubMed 23129764 (cited by ClinGen Glaucoma Variant Curation Expert Panel); PubMed 25524706 (cited by ClinGen Glaucoma Variant Curation Expert Panel); PubMed 18436825 (cited by ClinGen Glaucoma Variant Curation Expert Panel); PubMed 35196929 (cited by ClinGen Glaucoma Variant Curation Expert Panel); PubMed 17960117 (cited by ClinGen Glaucoma Variant Curation Expert Panel); PubMed 8513321 (cited by OMIM); Stone, E. M. Personal Communication. 1999. Iowa City, Iowa (cited by OMIM); PubMed 9535666 (cited by OMIM).

NM_000261.2(MYOC):c.1309T>C (p.Tyr437His)

Gene: MYOC (myocilin; minus strand). Cytogenetic location: 1q24.3.
Variant type: single nucleotide variant.
Coding change: c.1309T>C on transcript NM_000261.2 (MANE Select); coding-DNA position 1309, T replaced by C.
Protein change: p.Tyr437His; replaces tyrosine 437 with histidine.
Molecular consequence: missense variant.
Genome position (GRCh38, 1-based): chr1:171,636,131, A>G on the plus strand (T>C on the coding strand, the complement: MYOC is on the minus strand). VCF-style: chr1-171636131-A-G. GRCh37 (hg19) VCF-style: chr1-171605271-A-G.
Other names: NM_000261.2(MYOC):c.1309T>C; short protein forms Y437H.
Identifiers: ClinVar variation 7946 (VCV000007946.6), dbSNP rs74315328, ClinGen allele CA119169.